The following is an entry in ClinVar:

ClinVar aggregate classification (germline): Uncertain significance (1 of 4 stars; one submission).

Allele frequency attached by ClinVar (database versions not stated): gnomAD 0.00001.
gnomAD v4.1: 1 of 1,614,068 alleles (0.000062%); highest among the groups gnomAD compares: African/African-American, 0.0013%; no homozygotes.

Submission:

GeneDx
Classification: Uncertain significance. Last evaluated: 2022-12-31. Review status: criteria provided, single submitter. Criteria: GeneDx Variant Classification Process June 2021. Collection method: clinical testing. Allele origin: germline. Affected: yes.
Comment: Not observed at significant frequency in large population cohorts (gnomAD); In silico analysis supports that this missense variant does not alter protein structure/function; Has not been previously published as pathogenic or benign to our knowledge

NM_016604.4(KDM3B):c.3503C>T (p.Ala1168Val)

Gene: KDM3B (lysine demethylase 3B; plus strand). Cytogenetic location: 5q31.2.
Variant type: single nucleotide variant.
Coding change: c.3503C>T on transcript NM_016604.4 (MANE Select); coding-DNA position 3503, C replaced by T.
Protein change: p.Ala1168Val; replaces alanine 1168 with valine.
Molecular consequence: missense variant.
Genome position (GRCh38, 1-based): chr5:138,419,020, C>T. VCF-style: chr5-138419020-C-T. GRCh37 (hg19) VCF-style: chr5-137754709-C-T.
Other names: short protein forms A1168V.
Identifiers: ClinVar variation 2507119 (VCV002507119.1), dbSNP rs1763182187, ClinGen allele CA361087639.